The following is an entry in ClinVar:

NM_000321.3(RB1):c.920C>T (p.Thr307Ile)

Gene: RB1 (RB transcriptional corepressor 1; plus strand). Cytogenetic location: 13q14.2.
Variant type: single nucleotide variant.
Coding change: c.920C>T on transcript NM_000321.3 (MANE Select); coding-DNA position 920, C replaced by T.
Protein change: p.Thr307Ile; replaces threonine 307 with isoleucine.
Molecular consequence: missense variant.
Genome position (GRCh38, 1-based): chr13:48,364,952, C>T. VCF-style: chr13-48364952-C-T. GRCh37 (hg19) VCF-style: chr13-48939088-C-T.
Other names: short protein forms T307I.
Identifiers: ClinVar variation 135125 (VCV000135125.61), dbSNP rs183898408, ClinGen allele CA026468.

ClinVar aggregate classification (germline): Benign/Likely benign. Review status: criteria provided, multiple submitters, no conflicts (2 of 4 stars). 18 submissions from 18 submitters: Benign (11); Likely benign (6). 1 of the submissions does not count toward it. Last evaluated 2026-06-18.

Conditions:
Hereditary cancer-predisposing syndrome. Also called: Tumor predisposition; Hereditary neoplastic syndrome; Hereditary Cancer Syndrome; Neoplastic Syndromes, Hereditary. Identifiers: Orphanet 140162, MedGen C0027672, MeSH D009386, MONDO:0015356.
Retinoblastoma (RB1). Also called: RETINOBLASTOMA, SOMATIC. Identifiers: Orphanet 790, MedGen C0035335, MeSH D012175, MONDO:0008380, OMIM 180200, HP:0009919. Disease mechanism: loss of function. Inheritance: Both sporadic and heritable forms are tested..

Allele frequency attached by ClinVar (database versions not stated): 1000 Genomes Project 0.00040; 1000 Genomes Project 30x 0.00062; ESP Exome Variant Server 0.00078; gnomAD 0.00079 and 0.00088; TOPMed 0.00086; gnomAD exomes 0.00116 and 0.00131; ExAC 0.00275.
gnomAD v4.1: 1,739 of 1,571,430 alleles (0.11%); highest among the groups gnomAD compares: South Asian, 0.46%; 7 homozygotes.

Submissions (18):

Myriad Genetics, Inc.
Classification: Likely benign for Retinoblastoma. Last evaluated: 2026-06-18. Review status: criteria provided, single submitter. Criteria: Myriad Autosomal Dominant, Autosomal Recessive and X-Linked Classification Criteria (2023). Collection method: clinical testing. Allele origin: unknown.
Comment: This variant is considered likely benign. This variant has been observed at a population frequency that is significantly greater than expected given the associated disease prevalence and penetrance.

Labcorp Genetics (formerly Invitae), Labcorp
Classification: Benign for Retinoblastoma. Last evaluated: 2026-02-03. Review status: criteria provided, single submitter. Criteria: Invitae Variant Classification Sherloc (09022015). Collection method: clinical testing. Allele origin: germline.

Center for Genomic Medicine, Rigshospitalet, Copenhagen University Hospital
Classification: Likely benign. Last evaluated: 2025-12-29. Review status: criteria provided, single submitter. Criteria: ACMG Guidelines, 2015. Collection method: clinical testing. Allele origin: germline.
Comment: Classification criteria: BS1

CeGaT Center for Human Genetics Tuebingen
Classification: Benign. Last evaluated: 2025-12-01. Review status: criteria provided, single submitter. Criteria: CeGaT Center For Human Genetics Tuebingen Variant Classification Criteria Version 2. Collection method: clinical testing. Allele origin: germline. Affected: yes. Observed: 6 variant alleles.
Comment: RB1: BS1, BS2

Laboratorio de I+D, Fundación Centro Médico de Asturias
Classification: Benign for Hereditary cancer-predisposing syndrome. Last evaluated: 2025-07-14. Review status: criteria provided, single submitter. Criteria: ACMG Guidelines, 2015. Collection method: clinical testing. Allele origin: germline.
Comment: BS1+BS2+BP4_Moderate+BP1

Blueprint Genetics
Classification: Likely benign. Last evaluated: 2024-10-24. Review status: criteria provided, single submitter. Criteria: ACMG Guidelines, 2015. Collection method: clinical testing. Allele origin: germline.

KCCC/NGS Laboratory, Kuwait Cancer Control Center
Classification: Benign for Retinoblastoma. Last evaluated: 2023-07-07. Review status: criteria provided, single submitter. Criteria: ACMG Guidelines, 2015. Collection method: clinical testing. Allele origin: germline. Affected: yes.

Color Diagnostics, LLC DBA Color Health
Classification: Benign for Retinoblastoma. Last evaluated: 2022-04-27. Review status: criteria provided, single submitter. Criteria: ACMG Guidelines, 2015. Collection method: clinical testing. Allele origin: germline.

Genetic Services Laboratory, University of Chicago
Classification: Likely benign. Last evaluated: 2022-01-11. Review status: criteria provided, single submitter. Criteria: ACMG Guidelines, 2015. Collection method: clinical testing. Allele origin: germline. Affected: no.

Sema4
Classification: Benign for Hereditary cancer-predisposing syndrome. Last evaluated: 2020-10-08. Review status: criteria provided, single submitter. Criteria: Sema4 Curation Guidelines. Collection method: curation. Allele origin: germline.

Laboratory for Molecular Medicine, Mass General Brigham Personalized Medicine
Classification: Benign. Last evaluated: 2020-08-10. Review status: criteria provided, single submitter. Criteria: ACMG Guidelines, 2015. Collection method: clinical testing. Allele origin: germline.
Comment: The p.Thr307Ile variant in RB1 is classified as benign because it has been identified in 0.45% (117/26046) of South Asian chromosomes by gnomAD. ACMG/AMP Criteria applied: BA1.

Mendelics
Classification: Benign for Retinoblastoma. Last evaluated: 2019-05-28. Review status: criteria provided, single submitter. Criteria: Mendelics Assertion Criteria 2017. Collection method: clinical testing. Allele origin: unknown.

Ambry Genetics
Classification: Likely benign for Hereditary cancer-predisposing syndrome. Last evaluated: 2019-04-11. Review status: criteria provided, single submitter. Criteria: Ambry Variant Classification Scheme 2023. Collection method: clinical testing. Allele origin: germline.

Women's Health and Genetics/Laboratory Corporation of America, LabCorp
Classification: Benign. Last evaluated: 2019-04-11. Review status: criteria provided, single submitter. Criteria: LabCorp Variant Classification Summary - May 2015. Collection method: clinical testing. Allele origin: germline.
Comment: Variant summary: RB1 c.920C>T (p.Thr307Ile) results in a non-conservative amino acid change in the encoded protein sequence. Four of five in-silico tools predict a benign effect of the variant on protein function. The variant allele was found at a frequency of 0.0012 in 223688 control chromosomes, predominantly at a frequency of 0.0048 within the South Asian subpopulation in the gnomAD database, including 2 homozygotes. The observed variant frequency within South Asian control individuals in the gnomAD database is approximately 115 fold of the estimated maximal expected allele frequency for a pathogenic variant in RB1 causing Retinoblastoma phenotype (4.2e-05), strongly suggesting that the variant is a benign polymorphism found primarily in populations of South Asian origin. The variant, c.920C>T has been reported in the literature in individuals affected with Retinoblastoma (e.g. Brichard_2006, He_2014, Li_2016). Co-occurrences with other pathogenic variant(s) have been reported (RB1 c.871_872delGT), providing supporting evidence for a benign role. To our knowledge, no experimental evidence demonstrating an impact on protein function has been reported. Five ClinVar submissions from clinical diagnostic laboratories (evaluation after 2014) cite the variant as likely benign/benign. Based on the evidence outlined above, the variant was classified as benign.

Illumina Laboratory Services, Illumina
Classification: Benign for Retinoblastoma. Last evaluated: 2018-09-12. Review status: criteria provided, single submitter. Criteria: ICSL Variant Classification Criteria 13 December 2019. Collection method: clinical testing. Allele origin: germline.
Comment: This variant was observed as part of a predisposition screen in an ostensibly healthy population. A literature search was performed for the gene, cDNA change, and amino acid change (where applicable). Publications were found based on this search. The evidence from the literature, in combination with allele frequency data from public databases where available, was sufficient to rule this variant out of causing disease. Therefore, this variant is classified as benign.

GeneDx
Classification: Likely benign. Last evaluated: 2018-07-23. Review status: criteria provided, single submitter. Criteria: GeneDx Variant Classification Process June 2021. Collection method: clinical testing. Allele origin: germline. Affected: yes.
Comment: This variant is associated with the following publications: (PMID: 28193182, 26107153, 20981092, 26332594, 26764160, 20090211, 24791139, 27181684, 27882345, 26396485, 17996702, 16343894, 25735316, 12541220, 24728327, 28780672, 33456302)

PreventionGenetics, part of Exact Sciences
Classification: Benign. Review status: criteria provided, single submitter. Criteria: ACMG Guidelines, 2015. Collection method: clinical testing. Allele origin: germline.

ITMI
No classification provided. Condition: AllHighlyPenetrant. Last evaluated: 2013-09-19. Review status: no classification provided. Collection method: reference population. Allele origin: germline. Not counted in ClinVar's aggregate classification.
Comment: Please see associated publication for description of ethnicities

Literature cited by the submitters: PubMed 15177976 (cited by Center for Genomic Medicine, Rigshospitalet, Copenhagen University Hospital); PubMed 12541220 (cited by Ambry Genetics and Illumina Laboratory Services, Illumina); PubMed 16343894 (cited by Ambry Genetics and Women's Health and Genetics/Laboratory Corporation of America, LabCorp); PubMed 24728327 (cited by 4 submitters); PubMed 26332594 (cited by Ambry Genetics); PubMed 26764160 (cited by Ambry Genetics and Illumina Laboratory Services, Illumina); PubMed 26396485 (cited by Women's Health and Genetics/Laboratory Corporation of America, LabCorp and Illumina Laboratory Services, Illumina); PubMed 17996702 (cited by Women's Health and Genetics/Laboratory Corporation of America, LabCorp); PubMed 24078560 (cited by Illumina Laboratory Services, Illumina).